The following is an entry in ClinVar:

NM_015346.4(ZFYVE26):c.3459C>T (p.Gly1153=)

Gene: ZFYVE26 (zinc finger FYVE-type containing 26; minus strand). Cytogenetic location: 14q24.1.
Variant type: single nucleotide variant.
Coding change: c.3459C>T on transcript NM_015346.4 (MANE Select); coding-DNA position 3459, C replaced by T.
Protein change: p.Gly1153=; no amino-acid change (glycine 1153 retained).
Molecular consequence: synonymous variant.
Genome position (GRCh38, 1-based): chr14:67,785,123, G>A on the plus strand (C>T on the coding strand, the complement: ZFYVE26 is on the minus strand). VCF-style: chr14-67785123-G-A. GRCh37 (hg19) VCF-style: chr14-68251840-G-A.
Identifiers: ClinVar variation 4875239 (VCV004875239.2).

ClinVar aggregate classification (germline): Likely benign (1 of 4 stars; one submission).

gnomAD v4.1: 3 of 1,614,232 alleles (0.00019%); highest among the groups gnomAD compares: Admixed American, 0.0033%; no homozygotes.

Submission:

CeGaT Center for Human Genetics Tuebingen
Classification: Likely benign. Last evaluated: 2026-06-01. Review status: criteria provided, single submitter. Criteria: CeGaT Center For Human Genetics Tuebingen Variant Classification Criteria Version 2. Collection method: clinical testing. Allele origin: germline. Affected: yes. Observed: 1 variant allele.
Comment: ZFYVE26: BP4, BP7